The following is an entry in ClinVar:

ClinVar aggregate classification (germline): Likely benign. Review status: criteria provided, single submitter (1 of 4 stars). 2 submissions from 2 submitters: Likely benign (1). 1 of the submissions does not count toward it. Last evaluated 2022-07-01.

Conditions:
EPPK1-related disorder. Also called: EPPK1-related condition.

Allele frequency attached by ClinVar (database versions not stated): 1000 Genomes Project 30x 0.00187; 1000 Genomes Project 0.00200; TOPMed 0.00259; ESP Exome Variant Server 0.00342; gnomAD 0.00433; gnomAD exomes 0.00496; ExAC 0.00498.
gnomAD v4.1: 7,895 of 1,612,680 alleles (0.49%); highest among the groups gnomAD compares: Non-Finnish European, 0.5%; 41 homozygotes.

Submissions (2):

CeGaT Center for Human Genetics Tuebingen
Classification: Likely benign. Last evaluated: 2022-07-01. Review status: criteria provided, single submitter. Criteria: CeGaT Center For Human Genetics Tuebingen Variant Classification Criteria Version 2. Collection method: clinical testing. Allele origin: germline. Affected: yes. Observed: 3 variant alleles.
Comment: EPPK1: BP4, BP7

PreventionGenetics, part of Exact Sciences
Classification: Likely benign for EPPK1-related condition. Last evaluated: 2021-05-03. Review status: no assertion criteria provided. Collection method: clinical testing. Allele origin: germline. Not counted in ClinVar's aggregate classification.
Comment: This variant is classified as likely benign based on ACMG/AMP sequence variant interpretation guidelines (Richards et al. 2015 PMID: 25741868, with internal and published modifications).

NM_031308.4(EPPK1):c.5763C>T (p.Leu1921=)

Gene: EPPK1 (epiplakin 1; minus strand). Cytogenetic location: 8q24.3.
Variant type: single nucleotide variant.
Coding change: c.5763C>T on transcript NM_031308.4 (MANE Select); coding-DNA position 5763, C replaced by T.
Protein change: p.Leu1921=; no amino-acid change (leucine 1921 retained).
Molecular consequence: synonymous variant.
Genome position (GRCh38, 1-based): chr8:143,867,491, G>A on the plus strand (C>T on the coding strand, the complement: EPPK1 is on the minus strand). VCF-style: chr8-143867491-G-A. GRCh37 (hg19) VCF-style: chr8-144941659-G-A.
Identifiers: ClinVar variation 2658928 (VCV002658928.25), dbSNP rs181215404, ClinGen allele CA4922046.
Genomic context (GRCh38, chr8:143,867,491, plus strand): 5'-CAGGAGGAACCCGGTGGCGGCCTGCGCCTCCAGCAGCCAAGTCGCAAATGCTGCAGGGAT[G>A]AGCTCCTTCCTGCTGGCCTCATGGAGGCTCATGACCTCCCTGGTGGAGGGCACCGTGACC-3'
Protein context (NP_112598.3, residues 1911-1931): MSLHEASRKE[Leu1921=]IPAAFATWLL